The following is an entry in ClinVar:

ClinVar aggregate classification (germline): Benign/Likely benign. Review status: criteria provided, multiple submitters, no conflicts (2 of 4 stars). 5 submissions from 5 submitters: Benign (1); Likely benign (2). 2 of the submissions do not count toward it. Last evaluated 2024-11-14.

Conditions:
ARHGEF6-related disorder. Also called: ARHGEF6-related condition.
Intellectual developmental disorder, X-linked 46. Also called: Intellectual disability, X-linked 46. Identifiers: Orphanet 777, MedGen C1845526, MONDO:0010326, OMIM 300436.

Allele frequency attached by ClinVar (database versions not stated): ExAC 0.00161; ESP Exome Variant Server 0.00170; TOPMed 0.00175; 1000 Genomes Project 0.00159; gnomAD 0.00185 and 0.00178; gnomAD exomes 0.00317 and 0.00164; 1000 Genomes Project 30x 0.00125.
gnomAD v4.1: 3,574 of 1,192,114 alleles (0.3%); highest among the groups gnomAD compares: Non-Finnish European, 0.38%; 7 homozygotes.

Submissions (8):

Blueprint Genetics
Classification: Likely benign. Last evaluated: 2024-11-14. Review status: criteria provided, single submitter. Criteria: ACMG Guidelines, 2015. Collection method: clinical testing. Allele origin: germline.

CeGaT Center for Human Genetics Tuebingen
Classification: Benign. Last evaluated: 2024-11-01. Review status: criteria provided, single submitter. Criteria: CeGaT Center For Human Genetics Tuebingen Variant Classification Criteria Version 2. Collection method: clinical testing. Allele origin: germline. Affected: yes. Observed: 3 variant alleles.
Comment: ARHGEF6: BS1, BS2

Center for Pediatric Genomic Medicine, Children's Mercy Hospital and Clinics
Classification: Likely benign. Last evaluated: 2017-08-02. Review status: criteria provided, single submitter. Criteria: ACMG Guidelines, 2015. Collection method: clinical testing. Allele origin: germline.

PreventionGenetics, part of Exact Sciences
Classification: Likely benign for ARHGEF6-related condition. Last evaluated: 2024-08-27. Review status: no assertion criteria provided. Collection method: clinical testing. Allele origin: germline. Not counted in ClinVar's aggregate classification.
Comment: This variant is classified as likely benign based on ACMG/AMP sequence variant interpretation guidelines (Richards et al. 2015 PMID: 25741868, with internal and published modifications).

OMIM
Classification: Uncertain significance for RECLASSIFIED - VARIANT OF UNKNOWN SIGNIFICANCE. Last evaluated: 2000-10-01. Review status: no assertion criteria provided. Collection method: literature only. Allele origin: germline. Not counted in ClinVar's aggregate classification.

Dr. Peter K. Rogan Lab, Western University
No classification provided (evidence only). Condition: Familial cancer of breast. Review status: no classification provided. Collection method: in vitro. Allele origin: not applicable. Functional consequence: skipped exon. Not counted in ClinVar's aggregate classification.

Dr. Peter K. Rogan Lab, Western University
No classification provided (evidence only). Condition: Familial cancer of breast. Review status: no classification provided. Collection method: in vitro. Allele origin: not applicable. Functional consequence: skipped exon. Not counted in ClinVar's aggregate classification.

Dr. Peter K. Rogan Lab, Western University
No classification provided (evidence only). Condition: Uveal melanoma. Review status: no classification provided. Collection method: in vitro. Allele origin: not applicable. Functional consequence: skipped exon. Not counted in ClinVar's aggregate classification.

Literature cited by the submitters: Hamosh, A. Personal Communication. 2018. Baltimore, Md. (cited by OMIM); PubMed 11017088 (cited by OMIM).

NM_004840.3(ARHGEF6):c.166-11T>C

Genes: ARHGEF6 (Rac/Cdc42 guanine nucleotide exchange factor 6; minus strand), LOC130068760 (ATAC-STARR-seq lymphoblastoid active region 29996; plus strand). Cytogenetic location: Xq26.3.
Variant type: single nucleotide variant.
Coding change: c.166-11T>C on transcript NM_004840.3 (MANE Select); 11 bases into the intron before coding-DNA position 166, T replaced by C.
Molecular consequence: intron variant.
Genome position (GRCh38, 1-based): chrX:136,779,508, A>G on the plus strand (T>C on the coding strand, the complement: ARHGEF6 is on the minus strand). VCF-style: chrX-136779508-A-G. GRCh37 (hg19) VCF-style: chrX-135861667-A-G.
Other names: NC_000023.10:g.135861667A>G; IVS1AS, T-C, -11.
Identifiers: ClinVar variation 367947 (VCV000367947.26), dbSNP rs140322310, ClinGen allele CA10528621.
Genomic context (GRCh38, chrX:136,779,508, plus strand): 5'-TCATTGATGTTGTTGATGCAGTCAGCTTCAGTTTGGGGATCCAGACAAAACTAGAGGAAC[A>G]CAGTGAAATGTCACTTGGAGATTGTCATCCCATGCCAAGCAAAGTATACTCATCATTTGC-3'